The following is an entry in ClinVar:

NM_001079668.3(NKX2-1):c.1097G>A (p.Ser366Asn)

Genes: NKX2-1 (NK2 homeobox 1; minus strand), SFTA3 (surfactant associated 3; minus strand). Cytogenetic location: 14q13.3.
Variant type: single nucleotide variant.
Coding change: c.1097G>A on transcript NM_001079668.3 (MANE Select); coding-DNA position 1097, G replaced by A.
Protein change: p.Ser366Asn; replaces serine 366 with asparagine.
Molecular consequence: missense variant.
Genome position (GRCh38, 1-based): chr14:36,517,387, C>T on the plus strand (G>A on the coding strand, the complement: NKX2-1 is on the minus strand). VCF-style: chr14-36517387-C-T. GRCh37 (hg19) VCF-style: chr14-36986592-C-T.
Other names: c.1007G>A, p.Ser336Asn (NM_003317.4); short protein forms S366N, S336N.
Identifiers: ClinVar variation 3710891 (VCV003710891.2).

ClinVar aggregate classification (germline): Uncertain significance (1 of 4 stars; one submission).

Submission:

Labcorp Genetics (formerly Invitae), Labcorp
Classification: Uncertain significance. Last evaluated: 2024-06-13. Review status: criteria provided, single submitter. Criteria: Invitae Variant Classification Sherloc (09022015). Collection method: clinical testing. Allele origin: germline.
Comment: This sequence change replaces serine, which is neutral and polar, with asparagine, which is neutral and polar, at codon 366 of the NKX2-1 protein (p.Ser366Asn). This variant is not present in population databases (gnomAD no frequency). This variant has not been reported in the literature in individuals affected with NKX2-1-related conditions. An algorithm developed to predict the effect of missense changes on protein structure and function (PolyPhen-2) suggests that this variant is likely to be disruptive. In summary, the available evidence is currently insufficient to determine the role of this variant in disease. Therefore, it has been classified as a Variant of Uncertain Significance.